The following is an entry in ClinVar:

ClinVar aggregate classification (germline): Uncertain significance (1 of 4 stars; one submission).

Conditions:
Charcot-Marie-Tooth disease type 2. Also called: Charcot-Marie-Tooth type 2. Identifiers: Orphanet 64746, MedGen C0270914, MONDO:0018993.

Submission:

Labcorp Genetics (formerly Invitae), Labcorp
Classification: Uncertain significance for Charcot-Marie-Tooth disease type 2. Last evaluated: 2025-09-03. Review status: criteria provided, single submitter. Criteria: Invitae Variant Classification Sherloc (09022015). Collection method: clinical testing. Allele origin: germline.
Comment: This sequence change replaces threonine, which is neutral and polar, with isoleucine, which is neutral and non-polar, at codon 623 of the LMNA protein (p.Thr623Ile). This variant is not present in population databases (gnomAD no frequency). This variant has not been reported in the literature in individuals affected with LMNA-related conditions. Invitae Evidence Modeling of protein sequence and biophysical properties (such as structural, functional, and spatial information, amino acid conservation, physicochemical variation, residue mobility, and thermodynamic stability) indicates that this missense variant is expected to disrupt LMNA protein function with a positive predictive value of 95%. In summary, the available evidence is currently insufficient to determine the role of this variant in disease. Therefore, it has been classified as a Variant of Uncertain Significance.

NM_170707.4(LMNA):c.1868C>T (p.Thr623Ile)

Gene: LMNA (lamin A/C; plus strand). Cytogenetic location: 1q22.
Variant type: single nucleotide variant.
Coding change: c.1868C>T on transcript NM_170707.4 (MANE Select); coding-DNA position 1868, C replaced by T.
Protein change: p.Thr623Ile; replaces threonine 623 with isoleucine.
Molecular consequence: missense variant. On other transcripts: intron variant (1).
Genome position (GRCh38, 1-based): chr1:156,138,657, C>T. VCF-style: chr1-156138657-C-T. GRCh37 (hg19) VCF-style: chr1-156108448-C-T.
Other names: c.1532C>T, p.Thr511Ile (NM_001257374.3, NM_001406989.1); c.1868C>T, p.Thr623Ile (NM_001406983.1, NM_001406985.1, NM_001406991.1); c.1625C>T, p.Thr542Ile (NM_001406986.1, NM_001406987.1); c.1571C>T, p.Thr524Ile (NM_001406988.1); c.1310C>T, p.Thr437Ile (NM_001406990.1, NM_001406993.1, NM_001406995.1 and 2 more transcripts); c.1244C>T, p.Thr415Ile (NM_001406994.1, NM_001406999.1, NM_001407000.1 and 1 more transcripts); c.1778C>T, p.Thr593Ile (NM_170708.4); c.1818+50C>T (NM_001282626.2); short protein forms T524I, T511I, T415I, T542I, T593I, T437I, T623I.
Identifiers: ClinVar variation 4696719 (VCV004696719.1).